The following is an entry in ClinVar:

ClinVar aggregate classification (germline): Likely pathogenic (1 of 4 stars; one submission).

Conditions:
Leukocyte adhesion deficiency 1 (LAD1). Also called: LEUKOCYTE ADHESION DEFICIENCY, TYPE I; LAD 1; Lymphocyte function-associated antigen 1 immunodeficiency; LFA 1 immunodeficiency. Identifiers: Orphanet 2968, Orphanet 99842, MedGen C0398738, MONDO:0007293, OMIM 116920.

gnomAD v4.1: 1 of 1,605,300 alleles (0.000062%); highest among the groups gnomAD compares: South Asian, 0.0011%; no homozygotes.

Submission:

Neuberg Centre For Genomic Medicine, NCGM
Classification: Likely pathogenic for Leukocyte adhesion deficiency 1. Last evaluated: 2023-05-20. Review status: criteria provided, single submitter. Criteria: ACMG Guidelines, 2015. Collection method: clinical testing. Allele origin: germline. Inheritance: Autosomal recessive inheritance. Affected: yes.
Comment: The stop gained variant c.1888G>T(p.Glu630Ter) in the ITGB2 gene has not been reported previously as a pathogenic variant nor as a benign variant, to our knowledge. The variant is absent in the gnomAD Exomes. This variant is predicted to cause loss of normal protein function through protein truncation. Loss of function variants has been previously reported to be disease-causing (van de Vijver et al., 2012). For these reasons, this variant has been classified as Likely Pathogenic.

NM_000211.5(ITGB2):c.1888G>T (p.Glu630Ter)

Gene: ITGB2 (integrin subunit beta 2; minus strand). Cytogenetic location: 21q22.3.
Variant type: single nucleotide variant.
Coding change: c.1888G>T on transcript NM_000211.5 (MANE Select); coding-DNA position 1888, G replaced by T.
Protein change: p.Glu630Ter; replaces glutamic acid 630 with a stop codon.
Molecular consequence: nonsense.
Genome position (GRCh38, 1-based): chr21:44,888,885, C>A on the plus strand (G>T on the coding strand, the complement: ITGB2 is on the minus strand). VCF-style: chr21-44888885-C-A. GRCh37 (hg19) VCF-style: chr21-46308800-C-A.
Other names: c.1888G>T, p.Glu630Ter (NM_001127491.3); c.1681G>T, p.Glu561Ter (NM_001303238.2); short protein forms E561*, E630*.
Identifiers: ClinVar variation 3362371 (VCV003362371.3).